The following is an entry in ClinVar:

ClinVar aggregate classification (germline): Uncertain significance (1 of 4 stars; one submission).

Allele frequency attached by ClinVar (database versions not stated): gnomAD 0.00001.
gnomAD v4.1: 1 of 1,577,872 alleles (0.000063%); highest among the groups gnomAD compares: Non-Finnish European, 0.000087%; no homozygotes.

Submission:

Labcorp Genetics (formerly Invitae), Labcorp
Classification: Uncertain significance. Last evaluated: 2022-08-05. Review status: criteria provided, single submitter. Criteria: Invitae Variant Classification Sherloc (09022015). Collection method: clinical testing. Allele origin: germline.
Comment: This sequence change replaces lysine, which is basic and polar, with threonine, which is neutral and polar, at codon 597 of the IREB2 protein (p.Lys597Thr). This variant is not present in population databases (gnomAD no frequency). This variant has not been reported in the literature in individuals affected with IREB2-related conditions. Algorithms developed to predict the effect of missense changes on protein structure and function are either unavailable or do not agree on the potential impact of this missense change (SIFT: "Not Available"; PolyPhen-2: "Possibly Damaging"; Align-GVGD: "Not Available"). In summary, the available evidence is currently insufficient to determine the role of this variant in disease. Therefore, it has been classified as a Variant of Uncertain Significance.

NM_004136.4(IREB2):c.1790A>C (p.Lys597Thr)

Gene: IREB2 (iron responsive element binding protein 2; plus strand). Cytogenetic location: 15q25.1.
Variant type: single nucleotide variant.
Coding change: c.1790A>C on transcript NM_004136.4 (MANE Select); coding-DNA position 1790, A replaced by C.
Protein change: p.Lys597Thr; replaces lysine 597 with threonine.
Molecular consequence: missense variant.
Genome position (GRCh38, 1-based): chr15:78,487,813, A>C. VCF-style: chr15-78487813-A-C. GRCh37 (hg19) VCF-style: chr15-78780155-A-C.
Other names: c.1040A>C, p.Lys347Thr (NM_001320941.2); c.1619A>C, p.Lys540Thr (NM_001320942.2, NM_001354994.2); short protein forms K347T, K597T, K540T.
Identifiers: ClinVar variation 2022005 (VCV002022005.4), dbSNP rs1476251406, ClinGen allele CA393563499.
Genomic context (GRCh38, chr15:78,487,813, plus strand): 5'-GATGTTCAATTTGTGTGGGAAATACAGCACCCTTATCAGACGCAGTTTTAAATGCAGTAA[A>C]ACAGGTAAAATGTGTGGATTGGCAAGACATCTAAATGATTTTCTTAACTATGTTTTGTTA-3'
Protein context (NP_004127.2, residues 587-607): PLSDAVLNAV[Lys597Thr]QGDLVTCGIL